The following is an entry in ClinVar:

ClinVar aggregate classification (germline): Benign (1 of 4 stars; one submission).

Conditions:
SYNM-related disorder. Also called: SYNM-related condition.

Submission:

PreventionGenetics, part of Exact Sciences
Classification: Benign for SYNM-related condition. Last evaluated: 2019-10-21. Review status: criteria provided, single submitter. Criteria: ACMG Guidelines, 2015. Collection method: clinical testing. Allele origin: germline.
Comment: This variant is classified as benign based on ACMG/AMP sequence variant interpretation guidelines (Richards et al. 2015 PMID: 25741868, with internal and published modifications).

NM_145728.3(SYNM):c.1062A>T (p.Glu354Asp)

Gene: SYNM (synemin; plus strand). Cytogenetic location: 15q26.3.
Variant type: single nucleotide variant.
Coding change: c.1062A>T on transcript NM_145728.3 (MANE Select); coding-DNA position 1062, A replaced by T.
Protein change: p.Glu354Asp; replaces glutamic acid 354 with aspartic acid.
Molecular consequence: missense variant.
Genome position (GRCh38, 1-based): chr15:99,129,422, A>T. VCF-style: chr15-99129422-A-T. GRCh37 (hg19) VCF-style: chr15-99669627-A-T.
Other names: c.1062A>T, p.Glu354Asp (NM_015286.6); short protein forms E354D.
Identifiers: ClinVar variation 3035154 (VCV003035154.1), dbSNP rs2543110578, ClinGen allele CA393673589.